The following is an entry in ClinVar:

ClinVar aggregate classification (germline): Uncertain significance (1 of 4 stars; one submission).

Conditions:
Familial adenomatous polyposis 2. Also called: MYH-associated polyposis; FAP type 2; MUTYH-associated polyposis; MUTYH-related attenuated familial adenomatous polyposis; Adenomas, multiple colorectal; COLORECTAL ADENOMATOUS POLYPOSIS, AUTOSOMAL RECESSIVE. Identifiers: Orphanet 220460, Orphanet 247798, MedGen C3272841, MONDO:0012041, OMIM 608456.

Submission:

Labcorp Genetics (formerly Invitae), Labcorp
Classification: Uncertain significance for Familial adenomatous polyposis 2. Last evaluated: 2021-10-06. Review status: criteria provided, single submitter. Criteria: Invitae Variant Classification Sherloc (09022015). Collection method: clinical testing. Allele origin: germline.
Comment: In summary, the available evidence is currently insufficient to determine the role of this variant in disease. Therefore, it has been classified as a Variant of Uncertain Significance. Experimental studies have shown that this missense change does not substantially affect MUTYH function (PMID: 26694661). Algorithms developed to predict the effect of missense changes on protein structure and function output the following: SIFT: "Tolerated"; PolyPhen-2: "Benign"; Align-GVGD: "Class C0". The arginine amino acid residue is found in multiple mammalian species, which suggests that this missense change does not adversely affect protein function. This variant has not been reported in the literature in individuals affected with MUTYH-related conditions. This sequence change replaces histidine with arginine at codon 39 of the MUTYH protein (p.His39Arg). The histidine residue is weakly conserved and there is a small physicochemical difference between histidine and arginine. This variant is not present in population databases (ExAC no frequency).

Literature cited by the submitters: PubMed 26694661.

NM_001048174.2(MUTYH):c.74A>G (p.His25Arg)

Gene: MUTYH (mutY DNA glycosylase; minus strand). Cytogenetic location: 1p34.1.
Variant type: single nucleotide variant.
Coding change: c.74A>G on transcript NM_001048174.2 (MANE Select); coding-DNA position 74, A replaced by G.
Protein change: p.His25Arg; replaces histidine 25 with arginine.
Molecular consequence: missense variant. On other transcripts: 5 prime UTR variant (4), non-coding transcript variant (2).
Genome position (GRCh38, 1-based): chr1:45,334,432, T>C on the plus strand (A>G on the coding strand, the complement: MUTYH is on the minus strand). VCF-style: chr1-45334432-T-C. GRCh37 (hg19) VCF-style: chr1-45800104-T-C.
Other names: c.74A>G, p.His25Arg (NM_001048171.2, NM_001048172.2, NM_001048173.2 and 2 more transcripts); c.116A>G, p.His39Arg (NM_001128425.2, NM_001293190.2, NM_012222.3); c.-139A>G (NM_001293192.2, NM_001293196.2); c.-198A>G (NM_001350650.2); c.-134A>G (NM_001350651.2); short protein forms H25R, H39R.
Identifiers: ClinVar variation 1357369 (VCV001357369.6), dbSNP rs2149187814, ClinGen allele CA340137078.